The following is an entry in ClinVar:

ClinVar aggregate classification (germline): Uncertain significance (1 of 4 stars; one submission).

Conditions:
Arrhythmogenic right ventricular cardiomyopathy (ARVD). Also called: Arrhythmogenic right ventricular dysplasia; Cardiomyopathy, ARVC; Arrhythmogenic cardiomyopathy; Arrhythmogenic Right Ventricular Cardiomyopathy (ARVC). Identifiers: Orphanet 247, MedGen C0349788, MeSH D019571, MONDO:0016587. Disease mechanism: loss of function. Inheritance: Various modes of inheritance.

Submission:

All of Us Research Program, National Institutes of Health
Classification: Uncertain significance for Arrhythmogenic right ventricular cardiomyopathy. Last evaluated: 2023-12-13. Review status: criteria provided, single submitter. Criteria: ACMG Guidelines, 2015. Collection method: clinical testing. Allele origin: germline. Inheritance: Autosomal dominant inheritance. Observed: 1 variant allele, 1 heterozygote.
Comment: This missense variant replaces valine with leucine at codon 423 of the PKP2 protein. Computational prediction suggests that this variant may not impact protein structure and function (internally defined REVEL score threshold <= 0.5, PMID: 27666373). To our knowledge, functional studies have not been reported for this variant. This variant has not been reported in individuals affected with PKP2-related disorders in the literature. This variant has not been identified in the general population by the Genome Aggregation Database (gnomAD). The available evidence is insufficient to determine the role of this variant in disease conclusively. Therefore, this variant is classified as a Variant of Uncertain Significance.

This study involves interpretation of variants in research participants for the purpose of population health screening. Participant phenotype was not available at the time of variant classification. Additional details can be found in publication PMID: 35346344, PMCID: PMC8962531

NM_001005242.3(PKP2):c.1267G>T (p.Val423Leu)

Gene: PKP2 (plakophilin 2; minus strand). Cytogenetic location: 12p11.21.
Variant type: single nucleotide variant.
Coding change: c.1267G>T on transcript NM_001005242.3 (MANE Select); coding-DNA position 1267, G replaced by T.
Protein change: p.Val423Leu; replaces valine 423 with leucine.
Molecular consequence: missense variant.
Genome position (GRCh38, 1-based): chr12:32,850,877, C>A on the plus strand (G>T on the coding strand, the complement: PKP2 is on the minus strand). VCF-style: chr12-32850877-C-A. GRCh37 (hg19) VCF-style: chr12-33003811-C-A.
Other names: c.1267G>T, p.Val423Leu (NM_001407155.1, NM_001407156.1, NM_001407157.1 and 2 more transcripts); c.940G>T, p.Val314Leu (NM_001407158.1, NM_001407159.1, NM_001407160.1 and 1 more transcripts); short protein forms V314L, V423L.
Identifiers: ClinVar variation 3074826 (VCV003074826.1), dbSNP rs2541286432, ClinGen allele CA384370312.